The following is an entry in ClinVar:

NM_002029.4(FPR1):c.766C>T (p.Pro256Ser)

Gene: FPR1 (formyl peptide receptor 1; minus strand). Cytogenetic location: 19q13.41.
Variant type: single nucleotide variant.
Coding change: c.766C>T on transcript NM_002029.4 (MANE Select); coding-DNA position 766, C replaced by T.
Protein change: p.Pro256Ser; replaces proline 256 with serine.
Molecular consequence: missense variant.
Genome position (GRCh38, 1-based): chr19:51,746,229, G>A on the plus strand (C>T on the coding strand, the complement: FPR1 is on the minus strand). VCF-style: chr19-51746229-G-A. GRCh37 (hg19) VCF-style: chr19-52249482-G-A.
Other names: c.766C>T, p.Pro256Ser (NM_001193306.2); short protein forms P256S.
Identifiers: ClinVar variation 3684638 (VCV003684638.2).

ClinVar aggregate classification (germline): Uncertain significance (1 of 4 stars; one submission).

Conditions:
Gingival disorder. Also called: Gingival disease. Identifiers: MedGen C0017563, MONDO:0002021.

gnomAD v4.1: 1 of 1,614,094 alleles (0.000062%); highest among the groups gnomAD compares: Non-Finnish European, 0.000085%; no homozygotes.

Submission:

Labcorp Genetics (formerly Invitae), Labcorp
Classification: Uncertain significance for Gingival disorder. Last evaluated: 2025-01-29. Review status: criteria provided, single submitter. Criteria: Invitae Variant Classification Sherloc (09022015). Collection method: clinical testing. Allele origin: germline.
Comment: This sequence change replaces proline, which is neutral and non-polar, with serine, which is neutral and polar, at codon 256 of the FPR1 protein (p.Pro256Ser). This variant is not present in population databases (gnomAD no frequency). This variant has not been reported in the literature in individuals affected with FPR1-related conditions. An algorithm developed to predict the effect of missense changes on protein structure and function (PolyPhen-2) suggests that this variant is likely to be disruptive. In summary, the available evidence is currently insufficient to determine the role of this variant in disease. Therefore, it has been classified as a Variant of Uncertain Significance.